The following is an entry in ClinVar:

ClinVar aggregate classification (germline): Uncertain significance (1 of 4 stars; one submission).

Conditions:
Episodic kinesigenic dyskinesia (EKD). Also called: Paroxysmal kinesigenic dyskinesia. Identifiers: Orphanet 98809, MedGen C1868682, MONDO:0044202.

Submission:

Labcorp Genetics (formerly Invitae), Labcorp
Classification: Uncertain significance for Episodic kinesigenic dyskinesia. Last evaluated: 2024-02-23. Review status: criteria provided, single submitter. Criteria: Invitae Variant Classification Sherloc (09022015). Collection method: clinical testing. Allele origin: germline.
Comment: This sequence change replaces alanine, which is neutral and non-polar, with valine, which is neutral and non-polar, at codon 330 of the PRRT2 protein (p.Ala330Val). This variant is not present in population databases (gnomAD no frequency). This variant has not been reported in the literature in individuals affected with PRRT2-related conditions. Advanced modeling of protein sequence and biophysical properties (such as structural, functional, and spatial information, amino acid conservation, physicochemical variation, residue mobility, and thermodynamic stability) performed at Invitae indicates that this missense variant is not expected to disrupt PRRT2 protein function with a negative predictive value of 95%. In summary, the available evidence is currently insufficient to determine the role of this variant in disease. Therefore, it has been classified as a Variant of Uncertain Significance.

NM_145239.3(PRRT2):c.989C>T (p.Ala330Val)

Genes: MVP-DT (MVP divergent transcript; minus strand), PRRT2 (proline rich transmembrane protein 2; plus strand). Cytogenetic location: 16p11.2.
Variant type: single nucleotide variant.
Coding change: c.989C>T on transcript NM_145239.3 (MANE Select); coding-DNA position 989, C replaced by T.
Protein change: p.Ala330Val; replaces alanine 330 with valine.
Molecular consequence: missense variant. On other transcripts: 3 prime UTR variant (1).
Genome position (GRCh38, 1-based): chr16:29,814,442, C>T. VCF-style: chr16-29814442-C-T. GRCh37 (hg19) VCF-style: chr16-29825763-C-T.
Other names: c.*488C>T (NM_001256443.2); c.989C>T, p.Ala330Val (NM_001256442.2); short protein forms A330V.
Identifiers: ClinVar variation 3685793 (VCV003685793.2).